The following is an entry in ClinVar:

ClinVar aggregate classification (germline): Uncertain significance (1 of 4 stars; one submission).

Conditions:
Glycogen storage disease IXb (GSD9B). Also called: GLYCOGENOSIS OF LIVER AND MUSCLE, AUTOSOMAL RECESSIVE; GSD IXb; PHOSPHORYLASE KINASE DEFICIENCY OF LIVER AND MUSCLE, AUTOSOMAL RECESSIVE. Identifiers: Orphanet 79240, MedGen C0543514, MONDO:0009868, OMIM 261750.

gnomAD v4.1: 5 of 1,613,348 alleles (0.00031%); highest among the groups gnomAD compares: African/African-American, 0.0027%; no homozygotes.

Submission:

Labcorp Genetics (formerly Invitae), Labcorp
Classification: Uncertain significance for Glycogen storage disease IXb. Last evaluated: 2025-08-27. Review status: criteria provided, single submitter. Criteria: Invitae Variant Classification Sherloc (09022015). Collection method: clinical testing. Allele origin: germline.
Comment: This sequence change replaces glycine, which is neutral and non-polar, with arginine, which is basic and polar, at codon 785 of the PHKB protein (p.Gly785Arg). This variant is not present in population databases (gnomAD no frequency). This variant has not been reported in the literature in individuals affected with PHKB-related conditions. An algorithm developed to predict the effect of missense changes on protein structure and function (PolyPhen-2) suggests that this variant is likely to be tolerated. In summary, the available evidence is currently insufficient to determine the role of this variant in disease. Therefore, it has been classified as a Variant of Uncertain Significance.

NM_000293.3(PHKB):c.2353G>A (p.Gly785Arg)

Gene: PHKB (phosphorylase kinase regulatory subunit beta; plus strand). Cytogenetic location: 16q12.1.
Variant type: single nucleotide variant.
Coding change: c.2353G>A on transcript NM_000293.3 (MANE Select); coding-DNA position 2353, G replaced by A.
Protein change: p.Gly785Arg; replaces glycine 785 with arginine.
Molecular consequence: missense variant. On other transcripts: intron variant (2).
Genome position (GRCh38, 1-based): chr16:47,664,901, G>A. VCF-style: chr16-47664901-G-A. GRCh37 (hg19) VCF-style: chr16-47698812-G-A.
Other names: c.2337-1041G>A (NM_001363837.1); c.2316-1041G>A (NM_001031835.3); short protein forms G785R.
Identifiers: ClinVar variation 4738048 (VCV004738048.1).